The following is an entry in ClinVar:

ClinVar aggregate classification (germline): Uncertain significance. Review status: criteria provided, single submitter (1 of 4 stars). 2 submissions from 2 submitters: Uncertain significance (1). 1 of the submissions does not count toward it. Last evaluated 2022-09-19.

Conditions:
Leukocyte adhesion deficiency 3. Also called: INTEGRIN ACTIVATION DEFICIENCY DISEASE; LEUKOCYTE ADHESION DEFICIENCY 1 VARIANT; Leukocyte adhesion deficiency, type III. Identifiers: Orphanet 2968, Orphanet 99844, MedGen C2748536, MONDO:0013016, OMIM 612840.

Allele frequency attached by ClinVar (database versions not stated): ExAC 0.00003; gnomAD exomes 0.00003; gnomAD 0.00011 and 0.00012; TOPMed 0.00013.
gnomAD v4.1: 60 of 1,610,972 alleles (0.0037%); highest among the groups gnomAD compares: Admixed American, 0.018%; no homozygotes.

Submissions (2):

Labcorp Genetics (formerly Invitae), Labcorp
Classification: Uncertain significance for Leukocyte adhesion deficiency 3. Last evaluated: 2022-09-19. Review status: criteria provided, single submitter. Criteria: Invitae Variant Classification Sherloc (09022015). Collection method: clinical testing. Allele origin: germline.
Comment: This sequence change replaces glycine, which is neutral and non-polar, with arginine, which is basic and polar, at codon 308 of the FERMT3 protein (p.Gly308Arg). This variant is present in population databases (rs748770309, gnomAD 0.03%). This missense change has been observed in individual(s) with leukocyte adhesion deficiency III (LAD-III) (PMID: 20357244). ClinVar contains an entry for this variant (Variation ID: 579563). Advanced modeling of protein sequence and biophysical properties (such as structural, functional, and spatial information, amino acid conservation, physicochemical variation, residue mobility, and thermodynamic stability) performed at Invitae indicates that this missense variant is not expected to disrupt FERMT3 protein function. Experimental studies are conflicting or provide insufficient evidence to determine the effect of this variant on FERMT3 function (PMID: 20357244). In summary, the available evidence is currently insufficient to determine the role of this variant in disease. Therefore, it has been classified as a Variant of Uncertain Significance.

OMIM
Classification: Pathogenic for LEUKOCYTE ADHESION DEFICIENCY, TYPE III. Last evaluated: 2010-06-10. Review status: no assertion criteria provided. Collection method: literature only. Allele origin: germline. Not counted in ClinVar's aggregate classification.

Literature cited by the submitters: PubMed 20357244 (cited by Labcorp Genetics (formerly Invitae), Labcorp and OMIM).

NM_031471.6(FERMT3):c.922G>A (p.Gly308Arg)

Gene: FERMT3 (FERM domain containing kindlin 3; plus strand). Cytogenetic location: 11q13.1.
Variant type: single nucleotide variant.
Coding change: c.922G>A on transcript NM_031471.6 (MANE Select); coding-DNA position 922, G replaced by A.
Protein change: p.Gly308Arg; replaces glycine 308 with arginine.
Molecular consequence: missense variant.
Genome position (GRCh38, 1-based): chr11:64,219,551, G>A. VCF-style: chr11-64219551-G-A. GRCh37 (hg19) VCF-style: chr11-63987023-G-A.
Other names: c.922G>A, p.Gly308Arg (NM_001382361.1, NM_001382362.1, NM_001382448.1 and 1 more transcripts); c.382G>A, p.Gly128Arg (NM_001382363.1, NM_001382364.1); short protein forms G308R, G128R.
Identifiers: ClinVar variation 579563 (VCV000579563.7), dbSNP rs748770309, ClinGen allele CA6068953.